The following is an entry in ClinVar:

NM_001278512.2(AP3B2):c.243C>T (p.Asn81=)

Genes: AP3B2 (adaptor related protein complex 3 subunit beta 2; minus strand), CPEB1-AS1 (CPEB1 antisense RNA 1; plus strand). Cytogenetic location: 15q25.2.
Variant type: single nucleotide variant.
Coding change: c.243C>T on transcript NM_001278512.2 (MANE Select); coding-DNA position 243, C replaced by T.
Protein change: p.Asn81=; no amino-acid change (asparagine 81 retained).
Molecular consequence: synonymous variant.
Genome position (GRCh38, 1-based): chr15:82,689,179, G>A on the plus strand (C>T on the coding strand, the complement: AP3B2 is on the minus strand). VCF-style: chr15-82689179-G-A. GRCh37 (hg19) VCF-style: chr15-83357931-G-A.
Other names: c.243C>T, p.Asn81= (NM_001278511.2, NM_001348440.2, NM_004644.5).
Identifiers: ClinVar variation 742010 (VCV000742010.34), dbSNP rs199578774, ClinGen allele CA7700555.
Genomic context (GRCh38, chr15:82,689,179, plus strand): 5'-GAGGTGGGGACAAGCAATCCCTCACCAGGTAGTGCTCACCTCTATGTTCTTACAGGCCAC[G>A]TTCTTCACCACCGCGGGAAACAGGTCTGAAGCATTCTTTCCTCGGGCAATCATCTGGGTG-3'
Protein context (NP_001265441.1, residues 71-91): ASDLFPAVVK[Asn81=]VACKNIEVKK

ClinVar aggregate classification (germline): Likely benign. Review status: criteria provided, multiple submitters, no conflicts (2 of 4 stars). 3 submissions from 3 submitters: Likely benign (3). Last evaluated 2026-02-02.

Allele frequency attached by ClinVar (database versions not stated): ESP Exome Variant Server 0.00008; TOPMed 0.00015; gnomAD 0.00016; gnomAD exomes 0.00016 and 0.00022; 1000 Genomes Project 0.00020; ExAC 0.00029; 1000 Genomes Project 30x 0.00031.
gnomAD v4.1: 269 of 1,613,998 alleles (0.017%); highest among the groups gnomAD compares: Middle Eastern, 0.049%; no homozygotes.

Submissions (3):

Labcorp Genetics (formerly Invitae), Labcorp
Classification: Likely benign. Last evaluated: 2026-02-02. Review status: criteria provided, single submitter. Criteria: Invitae Variant Classification Sherloc (09022015). Collection method: clinical testing. Allele origin: germline.

CeGaT Center for Human Genetics Tuebingen
Classification: Likely benign. Last evaluated: 2026-02-01. Review status: criteria provided, single submitter. Criteria: CeGaT Center For Human Genetics Tuebingen Variant Classification Criteria Version 2. Collection method: clinical testing. Allele origin: germline. Affected: yes. Observed: 2 variant alleles.
Comment: AP3B2: BP4, BP7

Blueprint Genetics
Classification: Likely benign. Last evaluated: 2024-11-06. Review status: criteria provided, single submitter. Criteria: ACMG Guidelines, 2015. Collection method: clinical testing. Allele origin: germline.